The following is an entry in ClinVar:

NM_024529.5(CDC73):c.10del (p.Val4fs)

Gene: CDC73 (cell division cycle 73; plus strand). Cytogenetic location: 1q31.2.
Variant type: Deletion.
Coding change: c.10del on transcript NM_024529.5 (MANE Select); coding-DNA position 10, one base deleted (G; older notation c.10delG).
Protein change: p.Val4fs; shifts the reading frame from valine 4.
Molecular consequence: frameshift variant.
Genome position (GRCh38, 1-based): chr1:193,122,210, G deleted. VCF-style (leftmost placement, unchanged base first): chr1-193122209-CG-C. GRCh37 (hg19) VCF-style: chr1-193091339-CG-C.
Other names: short protein forms V4fs.
Identifiers: ClinVar variation 1069972 (VCV001069972.7), dbSNP rs2103111548, ClinGen allele CA2499214357.

ClinVar aggregate classification (germline): Pathogenic (1 of 4 stars; one submission).

Conditions:
Parathyroid carcinoma (PRTC). Also called: CDC73-Related Parathyroid Carcinoma; Parathyroid gland carcinoma. Identifiers: Orphanet 143, MedGen C0687150, MONDO:0012004, OMIM 608266, HP:0006780.

Submission:

Labcorp Genetics (formerly Invitae), Labcorp
Classification: Pathogenic for Parathyroid carcinoma. Last evaluated: 2022-02-10. Review status: criteria provided, single submitter. Criteria: Invitae Variant Classification Sherloc (09022015). Collection method: clinical testing. Allele origin: germline.
Comment: This sequence change creates a premature translational stop signal (p.Val4Cysfs*17) in the CDC73 gene. It is expected to result in an absent or disrupted protein product. Loss-of-function variants in CDC73 are known to be pathogenic (PMID: 12434154). This variant is not present in population databases (gnomAD no frequency). This variant has not been reported in the literature in individuals affected with CDC73-related conditions. ClinVar contains an entry for this variant (Variation ID: 1069972). For these reasons, this variant has been classified as Pathogenic.

Literature cited by the submitters: PubMed 12434154.